The following is an entry in ClinVar:

ClinVar aggregate classification (germline): Uncertain significance (1 of 4 stars; one submission).

Conditions:
Epileptic encephalopathy. Identifiers: MedGen C0543888, HP:0200134.

Allele frequency attached by ClinVar (database versions not stated): gnomAD exomes below 0.00001.
gnomAD v4.1: 6 of 1,612,848 alleles (0.00037%); highest among the groups gnomAD compares: East Asian, 0.0089%; no homozygotes.

Submission:

Labcorp Genetics (formerly Invitae), Labcorp
Classification: Uncertain significance for Epileptic encephalopathy. Last evaluated: 2020-02-22. Review status: criteria provided, single submitter. Criteria: Invitae Variant Classification Sherloc (09022015). Collection method: clinical testing. Allele origin: germline.
Comment: This variant is not present in population databases (ExAC no frequency). This sequence change replaces threonine with serine at codon 4630 of the RYR3 protein (p.Thr4630Ser). The threonine residue is highly conserved and there is a small physicochemical difference between threonine and serine. This variant has not been reported in the literature in individuals with RYR3-related conditions. Algorithms developed to predict the effect of missense changes on protein structure and function are either unavailable or do not agree on the potential impact of this missense change (SIFT: "Deleterious"; PolyPhen-2: "Possibly Damaging"; Align-GVGD: "Class C0"). In summary, the available evidence is currently insufficient to determine the role of this variant in disease. Therefore, it has been classified as a Variant of Uncertain Significance.

NM_001036.6(RYR3):c.13889C>G (p.Thr4630Ser)

Genes: AVEN (apoptosis and caspase activation inhibitor; minus strand), RYR3 (ryanodine receptor 3; plus strand). Cytogenetic location: 15q14.
Variant type: single nucleotide variant.
Coding change: c.13889C>G on transcript NM_001036.6 (MANE Select); coding-DNA position 13889, C replaced by G.
Protein change: p.Thr4630Ser; replaces threonine 4630 with serine.
Molecular consequence: missense variant.
Genome position (GRCh38, 1-based): chr15:33,854,794, C>G. VCF-style: chr15-33854794-C-G. GRCh37 (hg19) VCF-style: chr15-34146995-C-G.
Other names: c.13874C>G, p.Thr4625Ser (NM_001243996.4); short protein forms T4630S, T4625S.
Identifiers: ClinVar variation 949961 (VCV000949961.9), dbSNP rs1307962205, ClinGen allele CA391600723.